The following is an entry in ClinVar:

NM_001854.4(COL11A1):c.1522A>G (p.Thr508Ala)

Gene: COL11A1 (collagen type XI alpha 1 chain; minus strand). Cytogenetic location: 1p21.1.
Variant type: single nucleotide variant.
Coding change: c.1522A>G on transcript NM_001854.4 (MANE Select); coding-DNA position 1522, A replaced by G.
Protein change: p.Thr508Ala; replaces threonine 508 with alanine.
Molecular consequence: missense variant. On other transcripts: non-coding transcript variant (1).
Genome position (GRCh38, 1-based): chr1:103,014,561, T>C on the plus strand (A>G on the coding strand, the complement: COL11A1 is on the minus strand). VCF-style: chr1-103014561-T-C. GRCh37 (hg19) VCF-style: chr1-103480117-T-C.
Other names: c.1405A>G, p.Thr469Ala (NM_001190709.2); c.1558A>G, p.Thr520Ala (NM_080629.3); c.1174A>G, p.Thr392Ala (NM_080630.4); short protein forms T508A, T520A, T469A, T392A.
Identifiers: ClinVar variation 502485 (VCV000502485.21), dbSNP rs55851925, ClinGen allele CA974946.

ClinVar aggregate classification (germline): Conflicting classifications of pathogenicity. Review status: criteria provided, conflicting classifications (1 of 4 stars). 8 submissions from 8 submitters: Uncertain significance (5); Benign (1); Likely benign (2). Last evaluated 2026-04-06.

Conditions:
COL11A1-related disorder. Also called: COL11A1-related disorders; COL11A1-related condition.
Connective tissue disorder. Also called: Connective tissue disease. Identifiers: MedGen C0009782, MONDO:0003900.
Inborn genetic diseases. Identifiers: MedGen C0950123, MeSH D030342.

Allele frequency attached by ClinVar (database versions not stated): ExAC 0.00005; TOPMed 0.00009; gnomAD exomes 0.00010 and 0.00012; gnomAD 0.00013 and 0.00014; ESP Exome Variant Server 0.00015.
gnomAD v4.1: 203 of 1,613,642 alleles (0.013%); highest among the groups gnomAD compares: Admixed American, 0.052%; no homozygotes.

Submissions (8):

PreventionGenetics, part of Exact Sciences
Classification: Uncertain significance for COL11A1-related condition. Last evaluated: 2026-04-06. Review status: criteria provided, single submitter. Criteria: ACMG Guidelines, 2015. Collection method: clinical testing. Allele origin: germline.
Comment: The COL11A1 c.1522A>G variant is predicted to result in the amino acid substitution p.Thr508Ala. This variant was reported in an individual with retinal and optic nerve disease and was assessed as a variant of uncertain significance (Table S12, Diñeiro et al. 2020. PubMed ID: 32483926). This variant is reported in 0.048% of alleles in individuals of Latino descent in gnomAD. At this time, the clinical significance of this variant is uncertain due to the absence of conclusive functional and genetic evidence.

CeGaT Center for Human Genetics Tuebingen
Classification: Uncertain significance. Last evaluated: 2026-03-01. Review status: criteria provided, single submitter. Criteria: CeGaT Center For Human Genetics Tuebingen Variant Classification Criteria Version 2. Collection method: clinical testing. Allele origin: germline. Affected: yes. Observed: 1 variant allele.
Comment: COL11A1: PM2, BP4

Labcorp Genetics (formerly Invitae), Labcorp
Classification: Benign. Last evaluated: 2026-01-25. Review status: criteria provided, single submitter. Criteria: Invitae Variant Classification Sherloc (09022015). Collection method: clinical testing. Allele origin: germline.

GeneDx
Classification: Uncertain significance. Last evaluated: 2023-07-04. Review status: criteria provided, single submitter. Criteria: GeneDx Variant Classification Process June 2021. Collection method: clinical testing. Allele origin: germline. Affected: yes.
Comment: Identified in a patient with a clinical diagnosis of blindness in published literature (Dineiro et al., 2020); Not located in the triple helical region, where the majority of pathogenic missense variants occur (HGMD; Acke et al., 2014); In silico analysis supports that this missense variant does not alter protein structure/function; This variant is associated with the following publications: (PMID: 32483926)

Blueprint Genetics
Classification: Likely benign. Last evaluated: 2022-12-22. Review status: criteria provided, single submitter. Criteria: ACMG Guidelines, 2015. Collection method: clinical testing. Allele origin: germline.

Ambry Genetics
Classification: Uncertain significance for Inborn genetic diseases. Last evaluated: 2021-10-26. Review status: criteria provided, single submitter. Criteria: Ambry Variant Classification Scheme 2023. Collection method: clinical testing. Allele origin: germline.

Eurofins Ntd Llc (ga)
Classification: Uncertain significance. Last evaluated: 2017-06-15. Review status: criteria provided, single submitter. Criteria: EGL Classification Definitions 2015. Collection method: clinical testing. Allele origin: germline. Observed: 1 variant allele, 1 homozygote.

Center for Human Genetics, Inc
Classification: Likely benign for Connective tissue disorder. Last evaluated: 2016-11-01. Review status: criteria provided, single submitter. Criteria: ACMG Guidelines, 2015. Collection method: clinical testing. Allele origin: germline. Affected: yes.